The following is an entry in ClinVar:

ClinVar aggregate classification (germline): Uncertain significance (1 of 4 stars; one submission).

Conditions:
Joubert syndrome 21 (JBTS21). Identifiers: MedGen C3810212, MONDO:0014288, OMIM 615636.

Allele frequency attached by ClinVar (database versions not stated): TOPMed 0.00001; gnomAD 0.00001.
gnomAD v4.1: 1 of 1,613,662 alleles (0.000062%); highest among the groups gnomAD compares: African/African-American, 0.0013%; no homozygotes.

Submission:

Neuberg Centre For Genomic Medicine, NCGM
Classification: Uncertain significance for Joubert syndrome 21. Review status: criteria provided, single submitter. Criteria: ACMG Guidelines, 2015. Collection method: clinical testing. Allele origin: germline. Affected: yes.
Comment: The missense variant p.G1099S in CSPP1 (NM_001364869.1) has not been reported previously as a pathogenic variant nor as a benign variant, to our knowledge. The p.G1099S variant is novel (not in any individuals) in gnomAD Exomes and is novel (not in any individuals) in 1000 Genomes. There is a small physicochemical difference between glycine and serine, which is not likely to impact secondary protein structure as these residues share similar properties. For these reasons, this variant has been classified as Uncertain Significance.

NM_001382391.1(CSPP1):c.3229G>A (p.Gly1077Ser)

Genes: ARFGEF1 (ARF guanine nucleotide exchange factor 1; minus strand), CSPP1 (centrosome and spindle pole associated protein 1; plus strand). Cytogenetic location: 8q13.2.
Variant type: single nucleotide variant.
Coding change: c.3229G>A on transcript NM_001382391.1 (MANE Select); coding-DNA position 3229, G replaced by A.
Protein change: p.Gly1077Ser; replaces glycine 1077 with serine.
Molecular consequence: missense variant. On other transcripts: intron variant (2).
Genome position (GRCh38, 1-based): chr8:67,190,658, G>A. VCF-style: chr8-67190658-G-A. GRCh37 (hg19) VCF-style: chr8-68102893-G-A.
Other names: c.2179G>A, p.Gly727Ser (NM_001291339.2); c.3148G>A, p.Gly1050Ser (NM_001363131.2); c.3034G>A, p.Gly1012Ser (NM_001363132.2); c.2953G>A, p.Gly985Ser (NM_001363133.2); c.3295G>A, p.Gly1099Ser (NM_001364869.1); c.3115G>A, p.Gly1039Ser (NM_001364870.1); c.3061G>A, p.Gly1021Ser (NM_001438330.1); c.3214G>A, p.Gly1072Ser (NM_001438331.1, NM_024790.7); and 4 more; short protein forms G1012S, G1039S, G1050S, G1072S, G1077S, G1099S, G727S, G985S.
Identifiers: ClinVar variation 1339044 (VCV001339044.2), dbSNP rs1835967725, ClinGen allele CA371202027.